The following is an entry in ClinVar:

NM_176822.4(NLRP14):c.322A>T (p.Lys108Ter)

Gene: NLRP14 (NLR family pyrin domain containing 14; plus strand). Cytogenetic location: 11p15.4.
Variant type: single nucleotide variant.
Coding change: c.322A>T on transcript NM_176822.4 (MANE Select); coding-DNA position 322, A replaced by T.
Protein change: p.Lys108Ter; replaces lysine 108 with a stop codon.
Molecular consequence: nonsense.
Genome position (GRCh38, 1-based): chr11:7,039,746, A>T. VCF-style: chr11-7039746-A-T. GRCh37 (hg19) VCF-style: chr11-7060977-A-T.
Other names: short protein forms K108*.
Identifiers: ClinVar variation 235386 (VCV000235386.11), dbSNP rs76274604, ClinGen allele CA5864542.

ClinVar aggregate classification (germline): Benign. Review status: criteria provided, multiple submitters, no conflicts (2 of 4 stars). 6 submissions from 6 submitters: Benign (5). 1 of the submissions does not count toward it. Last evaluated 2018-11-12.

Conditions:
NLRP14-related disorder. Also called: NLRP14-related condition.
Spermatogenic Failure. Identifiers: MedGen C3553794, MONDO:0004983.

Allele frequency attached by ClinVar (database versions not stated): gnomAD exomes 0.00286 and 0.01157; ExAC 0.00846; ESP Exome Variant Server 0.00038; gnomAD 0.00480 and 0.00521; TOPMed 0.00851; 1000 Genomes Project 0.01158; 1000 Genomes Project 30x 0.01124.
gnomAD v4.1: 4,969 of 1,614,102 alleles (0.31%); highest among the groups gnomAD compares: Admixed American, 6.1%; 136 homozygotes.

Submissions (6):

GeneDx
Classification: Benign. Last evaluated: 2018-11-12. Review status: criteria provided, single submitter. Criteria: GeneDx Variant Classification Process June 2021. Collection method: clinical testing. Allele origin: germline. Affected: yes.
Comment: This variant is associated with the following publications: (PMID: 20981092, 22344438, 25525159, 16931801, 27535533)

Laboratory for Molecular Medicine, Mass General Brigham Personalized Medicine
Classification: Benign. Last evaluated: 2016-03-29. Review status: criteria provided, single submitter. Criteria: LMM Criteria. Collection method: clinical testing. Allele origin: germline.
Comment: Variant identified in a genome or exome case(s) and assessed due to predicted null impact of the variant or pathogenic assertions in the literature or databases. Disclaimer: This variant has not undergone full assessment. The following are preliminary notes: Frequency

Center for Pediatric Genomic Medicine, Children's Mercy Hospital and Clinics
Classification: Benign. Last evaluated: 2015-05-22. Review status: criteria provided, single submitter. Criteria: ACMG Guidelines, 2015. Collection method: clinical testing. Allele origin: germline.

Breakthrough Genomics
Classification: Benign. Review status: criteria provided, single submitter. Criteria: ACMG Guidelines, 2015. Collection method: not provided. Allele origin: germline. Inheritance: Unknown mechanism. Affected: yes.

Broad Center for Mendelian Genomics, Broad Institute of MIT and Harvard
Classification: Benign for Spermatogenic failure. Review status: criteria provided, single submitter. Criteria: ACMG Guidelines, 2015. Collection method: research. Allele origin: germline. Inheritance: Autosomal recessive inheritance. Affected: yes.
Comment: The heterozygous c.Lys108Ter variant in NLRP14 has been identified in an individual with azoospermia or severe oligozoospermia (PMID: 16931801), but has also been identified in >7% of Latino chromosomes and 34 homozygotes by ExAC. In summary, this variant meets criteria to be classified as benign for autosomal recessive spermatogenic failure.

PreventionGenetics, part of Exact Sciences
Classification: Benign for NLRP14-related condition. Last evaluated: 2019-10-18. Review status: no assertion criteria provided. Collection method: clinical testing. Allele origin: germline. Not counted in ClinVar's aggregate classification.
Comment: This variant is classified as benign based on ACMG/AMP sequence variant interpretation guidelines (Richards et al. 2015 PMID: 25741868, with internal and published modifications).

Literature cited by the submitters: PubMed 16931801 (cited by Broad Center for Mendelian Genomics, Broad Institute of MIT and Harvard); PubMed 20981092 (cited by Broad Center for Mendelian Genomics, Broad Institute of MIT and Harvard); PubMed 22344438 (cited by Broad Center for Mendelian Genomics, Broad Institute of MIT and Harvard).